The following is an entry in ClinVar:

ClinVar aggregate classification (germline): Uncertain significance. Review status: criteria provided, multiple submitters, no conflicts (2 of 4 stars). 2 submissions from 2 submitters: Uncertain significance (2). Last evaluated 2025-09-28.

Conditions:
Hereditary cancer-predisposing syndrome. Also called: Neoplastic Syndromes, Hereditary; Hereditary Cancer Syndrome; Tumor predisposition; Hereditary neoplastic syndrome. Identifiers: Orphanet 140162, MedGen C0027672, MeSH D009386, MONDO:0015356.
Ataxia-telangiectasia syndrome (AT). Also called: LOUIS-BAR SYNDROME; Cerebello-oculocutaneous telangiectasia; Immunodeficiency with ataxia telangiectasia; Ataxia-telangiectasia, complementation group D; AT, COMPLEMENTATION GROUP C; Ataxia-telangiectasia, complementation group E. Identifiers: Orphanet 100, MedGen C0004135, MONDO:0008840, OMIM 208900.

Submissions (2):

Labcorp Genetics (formerly Invitae), Labcorp
Classification: Uncertain significance for Ataxia-telangiectasia syndrome. Last evaluated: 2025-09-28. Review status: criteria provided, single submitter. Criteria: Invitae Variant Classification Sherloc (09022015). Collection method: clinical testing. Allele origin: germline.
Comment: This sequence change replaces leucine, which is neutral and non-polar, with valine, which is neutral and non-polar, at codon 2345 of the ATM protein (p.Leu2345Val). This variant is not present in population databases (gnomAD no frequency). This variant has not been reported in the literature in individuals affected with ATM-related conditions. ClinVar contains an entry for this variant (Variation ID: 482716). Invitae Evidence Modeling of protein sequence and biophysical properties (such as structural, functional, and spatial information, amino acid conservation, physicochemical variation, residue mobility, and thermodynamic stability) indicates that this missense variant is not expected to disrupt ATM protein function with a negative predictive value of 95%. In summary, the available evidence is currently insufficient to determine the role of this variant in disease. Therefore, it has been classified as a Variant of Uncertain Significance.

Ambry Genetics
Classification: Uncertain significance for Hereditary cancer-predisposing syndrome. Last evaluated: 2017-04-25. Review status: criteria provided, single submitter. Criteria: Ambry Variant Classification Scheme 2023. Collection method: clinical testing. Allele origin: germline.
Comment: The p.L2345V variant (also known as c.7033T>G), located in coding exon 47 of the ATM gene, results from a T to G substitution at nucleotide position 7033. The leucine at codon 2345 is replaced by valine, an amino acid with highly similar properties. This amino acid position is highly conserved in available vertebrate species. In addition, this alteration is predicted to be deleterious by in silico analysis. Since supporting evidence is limited at this time, the clinical significance of this alteration remains unclear.

NM_000051.4(ATM):c.7033T>G (p.Leu2345Val)

Genes: ATM (ATM serine/threonine kinase; plus strand), C11orf65 (chromosome 11 open reading frame 65; minus strand). Cytogenetic location: 11q22.3.
Variant type: single nucleotide variant.
Coding change: c.7033T>G on transcript NM_000051.4 (MANE Select); coding-DNA position 7033, T replaced by G.
Protein change: p.Leu2345Val; replaces leucine 2345 with valine.
Molecular consequence: missense variant. On other transcripts: intron variant (2).
Genome position (GRCh38, 1-based): chr11:108,327,702, T>G. VCF-style: chr11-108327702-T-G. GRCh37 (hg19) VCF-style: chr11-108198429-T-G.
Other names: c.7033T>G, p.Leu2345Val (NM_001351834.2); c.641-18631A>C (NM_001330368.2); c.*38+7518A>C (NM_001351110.2); short protein forms L2345V.
Identifiers: ClinVar variation 482716 (VCV000482716.15), dbSNP rs1555121048, ClinGen allele CA382558855.